The following is an entry in ClinVar:

ClinVar aggregate classification (germline): Uncertain significance (1 of 4 stars; one submission).

Conditions:
EGFR-related lung cancer (EGFR). Identifiers: MedGen CN130014.

Submission:

Labcorp Genetics (formerly Invitae), Labcorp
Classification: Uncertain significance for EGFR-related lung cancer. Last evaluated: 2021-08-28. Review status: criteria provided, single submitter. Criteria: Invitae Variant Classification Sherloc (09022015). Collection method: clinical testing. Allele origin: germline.
Comment: A copy number gain of the genomic region encompassing the full coding sequence of the EGFR gene has been identified. The boundaries of this event are unknown as they extend beyond the assayed region for this gene and therefore may encompass additional genes. As the precise location of this event is unknown, it may be in tandem or it may be located elsewhere in the genome. This variant has not been reported in the literature in individuals affected with EGFR-related conditions. Experimental studies and prediction algorithms are not available or were not evaluated, and the functional significance of this variant is currently unknown. In summary, the available evidence is currently insufficient to determine the role of this variant in disease. Therefore, it has been classified as a Variant of Uncertain Significance.

NC_000007.14:g.(?_55019258)_(55205637_?)dup

Gene: EGFR (epidermal growth factor receptor; plus strand). Cytogenetic location: 7p11.2.
Variant type: Duplication.
Identifiers: ClinVar variation 830803 (VCV000830803.2).